The following is an entry in ClinVar:

ClinVar aggregate classification (germline): Uncertain significance. Review status: criteria provided, multiple submitters, no conflicts (2 of 4 stars). 4 submissions from 4 submitters: Uncertain significance (2). 2 of the submissions do not count toward it. Last evaluated 2022-05-03.

Conditions:
Polycystic kidney disease. Also called: Polycystic kidney dysplasia; Kidney, Polycystic. Identifiers: MedGen C0022680, MeSH D007690, MONDO:0020642, HP:0000113.
Polycystic kidney disease, adult type (PKD1). Also called: POLYCYSTIC KIDNEY DISEASE, ADULT, TYPE I; Polycystic Kidney Disease 1, Autosomal Dominant; Polycystic kidney disease 1; Polycystic kidney disease 1, severe; Polycystic Kidney, Autosomal Dominant; POLYCYSTIC KIDNEY DISEASE 1 WITH OR WITHOUT POLYCYSTIC LIVER DISEASE. Identifiers: MedGen C3149841, MONDO:0008263, OMIM 173900.

Allele frequency attached by ClinVar (database versions not stated): ExAC 0.00001; gnomAD 0.00001; gnomAD exomes 0.00002; TOPMed 0.00003.
gnomAD v4.1: 28 of 1,605,254 alleles (0.0017%); highest among the groups gnomAD compares: Non-Finnish European, 0.002%; no homozygotes.

Submissions (4):

Fulgent Genetics
Classification: Uncertain significance for Polycystic kidney disease, adult type. Last evaluated: 2022-05-03. Review status: criteria provided, single submitter. Criteria: ACMG Guidelines, 2015. Collection method: clinical testing. Allele origin: unknown.

GeneDx
Classification: Uncertain significance. Last evaluated: 2019-01-08. Review status: criteria provided, single submitter. Criteria: GeneDx Variant Classification Process June 2021. Collection method: clinical testing. Allele origin: germline. Affected: yes.
Comment: Not observed in large population cohorts (Lek et al., 2016); In silico analysis, which includes protein predictors and evolutionary conservation, supports that this variant does not alter protein structure/function; Has not been previously published as pathogenic or benign to our knowledge

Bioscientia Institut fuer Medizinische Diagnostik GmbH, Sonic Healthcare
Classification: Uncertain significance for Polycystic kidney disease, adult type. Last evaluated: 2020-07-31. Review status: no assertion criteria provided. Collection method: clinical testing. Allele origin: germline. Affected: yes. Not counted in ClinVar's aggregate classification.

Department of Pathology and Laboratory Medicine, Sinai Health System
Classification: Likely benign for Polycystic Kidney disease. Review status: no assertion criteria provided. Collection method: clinical testing. Allele origin: unknown. Affected: yes. Study: The Canadian Open Genetics Repository (COGR). Not counted in ClinVar's aggregate classification.
Comment: The PKD1 p.Leu950Pro variant was not identified in the literature nor was it identified in the ClinVar, LOVD 3.0, ADPKD Mutation Database, and PKD1-LOVD databases. The variant was identified in dbSNP (ID: rs2369063) as â€šÃ„ÃºNAâ€šÃ„Ã¹. The variant was also identified in control databases in 5 of 233750 chromosomes at a frequency of 0.00002 (Genome Aggregation Database Feb 27, 2017), observed in the following populations: Other in 1 of 5288 chromosomes (freq: 0.0002), Latino in 1 of 33418 chromosomes (freq: 0.00003), and European Non-Finnish in 3 of 105472 chromosomes (freq: 0.00003) while not observed in the African, Ashkenazi Jewish, East Asian, European Finnish, and South Asian populations. In addition we cannot be certain that data from control databases is specific to PKD1 and not from one of the six PKD1 pseudogenes. The p.Leu950 residue is conserved in mammals but not in more distantly related organisms however four out of five computational analyses (PolyPhen-2, SIFT, AlignGVGD, BLOSUM, MutationTaster) do not suggest a high likelihood the variant Pro impacts the protein; this information is not predictive enough to rule out pathogenicity. In summary, based on the above information the clinical significance of this variant cannot be determined with certainty at this time although we would lean towards a more benign role for this variant. This variant is classified as likely benign.

NM_001009944.3(PKD1):c.2849T>C (p.Leu950Pro)

Gene: PKD1 (polycystin 1, transient receptor potential channel interacting; minus strand). Cytogenetic location: 16p13.3.
Variant type: single nucleotide variant.
Coding change: c.2849T>C on transcript NM_001009944.3 (MANE Select); coding-DNA position 2849, T replaced by C.
Protein change: p.Leu950Pro; replaces leucine 950 with proline.
Molecular consequence: missense variant.
Genome position (GRCh38, 1-based): chr16:2,114,174, A>G on the plus strand (T>C on the coding strand, the complement: PKD1 is on the minus strand). VCF-style: chr16-2114174-A-G. GRCh37 (hg19) VCF-style: chr16-2164175-A-G.
Other names: c.2849T>C (NM_001009944.2); c.2849T>C, p.Leu950Pro (NM_000296.4); short protein forms L950P.
Identifiers: ClinVar variation 992411 (VCV000992411.7), dbSNP rs2369063, ClinGen allele CA7833072.